The following is an entry in ClinVar:

NM_001933.5(DLST):c.935G>A (p.Arg312Lys)

Gene: DLST (dihydrolipoamide S-succinyltransferase; plus strand). Cytogenetic location: 14q24.3.
Variant type: single nucleotide variant.
Coding change: c.935G>A on transcript NM_001933.5 (MANE Select); coding-DNA position 935, G replaced by A.
Protein change: p.Arg312Lys; replaces arginine 312 with lysine.
Molecular consequence: missense variant. On other transcripts: non-coding transcript variant (2).
Genome position (GRCh38, 1-based): chr14:74,899,956, G>A. VCF-style: chr14-74899956-G-A. GRCh37 (hg19) VCF-style: chr14-75366659-G-A.
Other names: short protein forms R312K.
Identifiers: ClinVar variation 3631745 (VCV003631745.2).

ClinVar aggregate classification (germline): Uncertain significance (1 of 4 stars; one submission).

gnomAD v4.1: 14 of 1,613,686 alleles (0.00087%); highest among the groups gnomAD compares: Non-Finnish European, 0.0011%; no homozygotes.

Submission:

Labcorp Genetics (formerly Invitae), Labcorp
Classification: Uncertain significance. Last evaluated: 2024-07-22. Review status: criteria provided, single submitter. Criteria: Invitae Variant Classification Sherloc (09022015). Collection method: clinical testing. Allele origin: germline.
Comment: This sequence change replaces arginine, which is basic and polar, with lysine, which is basic and polar, at codon 312 of the DLST protein (p.Arg312Lys). This variant is present in population databases (no rsID available, gnomAD 0.0009%). This variant has not been reported in the literature in individuals affected with DLST-related conditions. Advanced modeling of protein sequence and biophysical properties (such as structural, functional, and spatial information, amino acid conservation, physicochemical variation, residue mobility, and thermodynamic stability) performed at Invitae indicates that this missense variant is not expected to disrupt DLST protein function with a negative predictive value of 80%. In summary, the available evidence is currently insufficient to determine the role of this variant in disease. Therefore, it has been classified as a Variant of Uncertain Significance.